The following is an entry in ClinVar:

NM_001378120.1(MBD5):c.1744G>A (p.Ala582Thr)

Gene: MBD5 (methyl-CpG binding domain protein 5; plus strand). Cytogenetic location: 2q23.1.
Variant type: single nucleotide variant.
Coding change: c.1744G>A on transcript NM_001378120.1 (MANE Select); coding-DNA position 1744, G replaced by A.
Protein change: p.Ala582Thr; replaces alanine 582 with threonine.
Molecular consequence: missense variant.
Genome position (GRCh38, 1-based): chr2:148,469,687, G>A. VCF-style: chr2-148469687-G-A. GRCh37 (hg19) VCF-style: chr2-149227256-G-A.
Other names: c.1744G>A, p.Ala582Thr (NM_018328.5); short protein forms A582T.
Identifiers: ClinVar variation 3338602 (VCV003338602.1).

ClinVar aggregate classification (germline): Uncertain significance (1 of 4 stars; one submission).

gnomAD v4.1: 1 of 1,613,940 alleles (0.000062%); highest among the groups gnomAD compares: Non-Finnish European, 0.000085%; no homozygotes.

Submission:

Greenwood Genetic Center Diagnostic Laboratories, Greenwood Genetic Center
Classification: Uncertain significance. Last evaluated: 2024-04-30. Review status: criteria provided, single submitter. Criteria: ACMG Guidelines, 2015. Collection method: clinical testing. Allele origin: germline. Affected: yes.
Comment: PM2, PP3